The following is an entry in ClinVar:

NM_004523.4(KIF11):c.2689G>T (p.Glu897Ter)

Gene: KIF11 (kinesin family member 11; plus strand). Cytogenetic location: 10q23.33.
Variant type: single nucleotide variant.
Coding change: c.2689G>T on transcript NM_004523.4 (MANE Select); coding-DNA position 2689, G replaced by T.
Protein change: p.Glu897Ter; replaces glutamic acid 897 with a stop codon.
Molecular consequence: nonsense.
Genome position (GRCh38, 1-based): chr10:92,648,353, G>T. VCF-style: chr10-92648353-G-T. GRCh37 (hg19) VCF-style: chr10-94408110-G-T.
Other names: short protein forms E897*.
Identifiers: ClinVar variation 4851414 (VCV004851414.1).
Genomic context (GRCh38, chr10:92,648,353, plus strand): 5'-CATAACATTTTTCTTGATCAGATGACTATTGATGAAGATAAATTGATAGCACAAAATCTA[G>T]AACTTAATGAAACCATAAAAATTGGTTTGACTAAGCTTAATTGCTTTCTGGAACAGGATC-3'

ClinVar aggregate classification (germline): Likely pathogenic (1 of 4 stars; one submission).

Conditions:
Microcephaly with or without chorioretinopathy, lymphedema, or impaired intellectual development. Also called: MICROCEPHALY, LYMPHEDEMA, CHORIORETINAL DYSPLASIA SYNDROME; Microcephaly lymphedema chorioretinal dysplasia; MICROCEPHALY AND CHORIORETINOPATHY WITH OR WITHOUT MENTAL RETARDATION, AUTOSOMAL DOMINANT; Microcephaly with or without chorioretinopathy, lymphedema, or mental retardation; Microcephaly with or without chorioretinopathy, lymphedema, or intellectual disability. Identifiers: Orphanet 2526, MedGen C1835265, MONDO:0007918, OMIM 152950.

Submission:

Institute of Immunology and Genetics Kaiserslautern
Classification: Likely pathogenic for Microcephaly with or without chorioretinopathy, lymphedema, or impaired intellectual development. Last evaluated: 2026-02-12. Review status: criteria provided, single submitter. Criteria: ACMG Guidelines, 2015. Collection method: clinical testing. Allele origin: maternal. Affected: yes.
Comment: ACMG Criteria: PVS1, PM2_P.